The following is an entry in ClinVar:

NM_182961.4(SYNE1):c.13543G>C (p.Ala4515Pro)

Gene: SYNE1 (spectrin repeat containing nuclear envelope protein 1; minus strand). Cytogenetic location: 6q25.2.
Variant type: single nucleotide variant.
Coding change: c.13543G>C on transcript NM_182961.4 (MANE Select); coding-DNA position 13543, G replaced by C.
Protein change: p.Ala4515Pro; replaces alanine 4515 with proline.
Molecular consequence: missense variant.
Genome position (GRCh38, 1-based): chr6:152,331,142, C>G on the plus strand (G>C on the coding strand, the complement: SYNE1 is on the minus strand). VCF-style: chr6-152331142-C-G. GRCh37 (hg19) VCF-style: chr6-152652277-C-G.
Other names: c.13330G>C, p.Ala4444Pro (NM_033071.5); short protein forms A4515P, A4444P.
Identifiers: ClinVar variation 2937958 (VCV002937958.1), dbSNP rs760633976, ClinGen allele CA4056163.

ClinVar aggregate classification (germline): Uncertain significance (1 of 4 stars; one submission).

Conditions:
Emery-Dreifuss muscular dystrophy 4, autosomal dominant (EDMD4). Also called: EMERY-DREIFUSS MUSCULAR DYSTROPHY 4 WITH VARIABLE FEATURES. Identifiers: Orphanet 261, MedGen C2751807, MONDO:0013071, OMIM 612998.
Autosomal recessive ataxia, Beauce type. Also called: Spinocerebellar ataxia, autosomal recessive 8; ATAXIA, RECESSIVE, OF BEAUCE; SYNE1-Related Autosomal Recessive Cerebellar Ataxia; SYNE1 Deficiency. Identifiers: Orphanet 88644, MedGen C1853116, MONDO:0012549, OMIM 610743.

Allele frequency attached by ClinVar (database versions not stated): ExAC 0.00001; gnomAD 0.00001; TOPMed 0.00001.
gnomAD v4.1: 21 of 1,613,978 alleles (0.0013%); highest among the groups gnomAD compares: African/African-American, 0.0027%; no homozygotes.

Submission:

Labcorp Genetics (formerly Invitae), Labcorp
Classification: Uncertain significance for Emery-Dreifuss muscular dystrophy 4, autosomal dominant; Autosomal recessive ataxia, Beauce type. Last evaluated: 2023-09-10. Review status: criteria provided, single submitter. Criteria: Invitae Variant Classification Sherloc (09022015). Collection method: clinical testing. Allele origin: germline.
Comment: In summary, the available evidence is currently insufficient to determine the role of this variant in disease. Therefore, it has been classified as a Variant of Uncertain Significance. An algorithm developed to predict the effect of missense changes on protein structure and function (PolyPhen-2) suggests that this variant is likely to be disruptive. This variant has not been reported in the literature in individuals affected with SYNE1-related conditions. This variant is present in population databases (rs760633976, gnomAD 0.007%). This sequence change replaces alanine, which is neutral and non-polar, with proline, which is neutral and non-polar, at codon 4444 of the SYNE1 protein (p.Ala4444Pro).